The following is an entry in ClinVar:

NM_001164496.2(CFAP44):c.3915A>G (p.Gly1305=)

Genes: CFAP44 (cilia and flagella associated protein 44; minus strand), SPICE1-CFAP44 (SPICE1-CFAP44 readthrough (NMD candidate); minus strand). Cytogenetic location: 3q13.2.
Variant type: single nucleotide variant.
Coding change: c.3915A>G on transcript NM_001164496.2 (MANE Select); coding-DNA position 3915, A replaced by G.
Protein change: p.Gly1305=; no amino-acid change (glycine 1305 retained).
Molecular consequence: synonymous variant.
Genome position (GRCh38, 1-based): chr3:113,330,369, T>C on the plus strand (A>G on the coding strand, the complement: CFAP44 is on the minus strand). VCF-style: chr3-113330369-T-C. GRCh37 (hg19) VCF-style: chr3-113049216-T-C.
Identifiers: ClinVar variation 708883 (VCV000708883.6), dbSNP rs145492370, ClinGen allele CA2543685.
Genomic context (GRCh38, chr3:113,330,369, plus strand): 5'-TCTAGATATTGAATCACGGGTTGTCAAATCCCCATCCTTTCTAGAAGAGAGTTTGAGGAA[T>C]CCTCCAACTGGGCCTCCAGACCCTGTCTGTTCCACTCCGGGGGACTTTTCATCTTTACTT-3'
Protein context (NP_001157968.1, residues 1295-1315): EQTGSGGPVG[Gly1305=]FLKLSSRKDG

ClinVar aggregate classification (germline): Benign. Review status: criteria provided, multiple submitters, no conflicts (2 of 4 stars). 3 submissions from 3 submitters: Benign (2). 1 of the submissions does not count toward it. Last evaluated 2018-07-29.

Conditions:
CFAP44-related disorder. Also called: CFAP44-related condition.

Allele frequency attached by ClinVar (database versions not stated): gnomAD exomes 0.00024 and 0.00058; ExAC 0.00051; ESP Exome Variant Server 0.00131; 1000 Genomes Project 0.00180; 1000 Genomes Project 30x 0.00187; gnomAD 0.00201 and 0.00215; TOPMed 0.00212.

Submissions (3):

Labcorp Genetics (formerly Invitae), Labcorp
Classification: Benign. Last evaluated: 2018-07-29. Review status: criteria provided, single submitter. Criteria: Invitae Variant Classification Sherloc (09022015). Collection method: clinical testing. Allele origin: germline.

Breakthrough Genomics
Classification: Benign. Review status: criteria provided, single submitter. Criteria: ACMG Guidelines, 2015. Collection method: not provided. Allele origin: germline. Inheritance: Autosomal recessive inheritance. Affected: yes.

PreventionGenetics, part of Exact Sciences
Classification: Likely benign for CFAP44-related condition. Last evaluated: 2019-02-22. Review status: no assertion criteria provided. Collection method: clinical testing. Allele origin: germline. Not counted in ClinVar's aggregate classification.
Comment: This variant is classified as likely benign based on ACMG/AMP sequence variant interpretation guidelines (Richards et al. 2015 PMID: 25741868, with internal and published modifications).